The following is an entry in ClinVar:

ClinVar aggregate classification (germline): Likely benign (0 of 4 stars; one submission).

Conditions:
LZTFL1-related disorder. Also called: LZTFL1-related condition.

Submission:

PreventionGenetics, part of Exact Sciences
Classification: Likely benign for LZTFL1-related condition. Last evaluated: 2023-03-08. Review status: no assertion criteria provided. Collection method: clinical testing. Allele origin: germline.
Comment: This variant is classified as likely benign based on ACMG/AMP sequence variant interpretation guidelines (Richards et al. 2015 PMID: 25741868, with internal and published modifications).

NM_020347.4(LZTFL1):c.675A>T (p.Thr225=)

Gene: LZTFL1 (leucine zipper transcription factor like 1; minus strand). Cytogenetic location: 3p21.31.
Variant type: single nucleotide variant.
Coding change: c.675A>T on transcript NM_020347.4 (MANE Select); coding-DNA position 675, A replaced by T.
Protein change: p.Thr225=; no amino-acid change (threonine 225 retained).
Molecular consequence: synonymous variant. On other transcripts: non-coding transcript variant (2).
Genome position (GRCh38, 1-based): chr3:45,828,541, T>A on the plus strand (A>T on the coding strand, the complement: LZTFL1 is on the minus strand). VCF-style: chr3-45828541-T-A. GRCh37 (hg19) VCF-style: chr3-45870033-T-A.
Other names: c.624A>T, p.Thr208= (NM_001276378.2, NM_001386451.1, NM_001405922.1 and 4 more transcripts); c.663A>T, p.Thr221= (NM_001276379.2, NM_001405921.1); c.675A>T, p.Thr225= (NM_001386452.1); c.699A>T, p.Thr233= (NM_001405920.1, NM_001405925.1); c.609A>T, p.Thr203= (NM_001405924.1).
Identifiers: ClinVar variation 3355994 (VCV003355994.1).